The following is an entry in ClinVar:

NM_000414.4(HSD17B4):c.348G>A (p.Trp116Ter)

Gene: HSD17B4 (hydroxysteroid 17-beta dehydrogenase 4; plus strand). Cytogenetic location: 5q23.1.
Variant type: single nucleotide variant.
Coding change: c.348G>A on transcript NM_000414.4 (MANE Select); coding-DNA position 348, G replaced by A.
Protein change: p.Trp116Ter; replaces tryptophan 116 with a stop codon.
Molecular consequence: nonsense. On other transcripts: 5 prime UTR variant (5), non-coding transcript variant (2), intron variant (1).
Genome position (GRCh38, 1-based): chr5:119,475,869, G>A. VCF-style: chr5-119475869-G-A. GRCh37 (hg19) VCF-style: chr5-118811564-G-A.
Other names: c.423G>A, p.Trp141Ter (NM_001199291.3); c.294G>A, p.Trp98Ter (NM_001199292.2); c.276G>A, p.Trp92Ter (NM_001292027.2); c.-64G>A (NM_001292028.2, NM_001374501.1, NM_001374502.1 and 1 more transcripts); c.348G>A, p.Trp116Ter (NM_001374497.1, NM_001374498.1); c.-191G>A (NM_001374500.1); c.22+142G>A (NM_001374499.1); short protein forms W116*, W141*, W92*, W98*.
Identifiers: ClinVar variation 5003078 (VCV005003078.1).

ClinVar aggregate classification (germline): Likely pathogenic (1 of 4 stars; one submission).

Conditions:
Bifunctional peroxisomal enzyme deficiency (DBIF). Also called: PBFE DEFICIENCY; D-bifunctional protein deficiency; DBP DEFICIENCY. Identifiers: Orphanet 300, MedGen C0342870, MONDO:0009855, OMIM 261515. Disease mechanism: loss of function.

Submission:

OLLIN Analises Genomicas, OLLIN
Classification: Likely pathogenic for Bifunctional peroxisomal enzyme deficiency. Last evaluated: 2026-08-06. Review status: criteria provided, single submitter. Criteria: ACMG Guidelines 2015 PMID 25741868. Collection method: clinical testing. Allele origin: germline. Inheritance: Autosomal recessive inheritance.
Comment: This nonsense variant, located in exon 6 (of 24), is absent from gnomAD and ClinVar and has not been identified in the literature. This variant introduces a premature stop codon, which is predicted to result in either a truncated protein or degradation of the mRNA via nonsense-mediated decay (NMD). According to the currently available evidence, this variant has been classified as likely pathogenic (PVS1, PM2_P).